The following is an entry in ClinVar:

NM_001364171.2(ODAD1):c.1934G>C (p.Ser645Thr)

Gene: ODAD1 (outer dynein arm docking complex subunit 1; minus strand). Cytogenetic location: 19q13.33.
Variant type: single nucleotide variant.
Coding change: c.1934G>C on transcript NM_001364171.2 (MANE Select); coding-DNA position 1934, G replaced by C.
Protein change: p.Ser645Thr; replaces serine 645 with threonine.
Molecular consequence: missense variant.
Genome position (GRCh38, 1-based): chr19:48,297,166, C>G on the plus strand (G>C on the coding strand, the complement: ODAD1 is on the minus strand). VCF-style: chr19-48297166-C-G. GRCh37 (hg19) VCF-style: chr19-48800423-C-G.
Other names: c.1823G>C, p.Ser608Thr (NM_144577.4); short protein forms S608T, S645T.
Identifiers: ClinVar variation 570120 (VCV000570120.3), dbSNP rs139193954, ClinGen allele CA9548521.

ClinVar aggregate classification (germline): Uncertain significance. Review status: criteria provided, multiple submitters, no conflicts (2 of 4 stars). 3 submissions from 3 submitters: Uncertain significance (3). Last evaluated 2025-08-01.

Conditions:
Primary ciliary dyskinesia. Also called: Ciliary dyskinesia. Identifiers: Orphanet 244, MedGen C0008780, MONDO:0016575, HP:0012265.

Allele frequency attached by ClinVar (database versions not stated): ExAC 0.00001; gnomAD 0.00001; gnomAD exomes 0.00001 and 0.00002; TOPMed 0.00002; ESP Exome Variant Server 0.00015.
gnomAD v4.1: 12 of 1,614,048 alleles (0.00074%); highest among the groups gnomAD compares: Non-Finnish European, 0.00093%; no homozygotes.

Submissions (3):

Ambry Genetics
Classification: Uncertain significance for Primary ciliary dyskinesia. Last evaluated: 2025-08-01. Review status: criteria provided, single submitter. Criteria: Ambry Variant Classification Scheme 2023. Collection method: clinical testing. Allele origin: germline.

Blueprint Genetics
Classification: Uncertain significance. Last evaluated: 2024-08-26. Review status: criteria provided, single submitter. Criteria: ACMG Guidelines, 2015. Collection method: clinical testing. Allele origin: germline.

Labcorp Genetics (formerly Invitae), Labcorp
Classification: Uncertain significance for Ciliary dyskinesia. Last evaluated: 2018-04-03. Review status: criteria provided, single submitter. Criteria: Invitae Variant Classification Sherloc (09022015). Collection method: clinical testing. Allele origin: germline.
Comment: This sequence change replaces serine with threonine at codon 608 of the CCDC114 protein (p.Ser608Thr). The serine residue is moderately conserved and there is a small physicochemical difference between serine and threonine. This variant is present in population databases (rs139193954, ExAC 0.002%). This variant has not been reported in the literature in individuals with CCDC114-related disease. Algorithms developed to predict the effect of missense changes on protein structure and function do not agree on the potential impact of this missense change (SIFT: "Deleterious"; PolyPhen-2: "Possibly Damaging"; Align-GVGD: "Class C0"). In summary, the available evidence is currently insufficient to determine the role of this variant in disease. Therefore, it has been classified as a Variant of Uncertain Significance.